The following is an entry in ClinVar:

NM_080916.3(DGUOK):c.479C>A (p.Ser160Tyr)

Gene: DGUOK (deoxyguanosine kinase; plus strand). Cytogenetic location: 2p13.1.
Variant type: single nucleotide variant.
Coding change: c.479C>A on transcript NM_080916.3 (MANE Select); coding-DNA position 479, C replaced by A.
Protein change: p.Ser160Tyr; replaces serine 160 with tyrosine.
Molecular consequence: missense variant. On other transcripts: non-coding transcript variant (1), intron variant (2).
Genome position (GRCh38, 1-based): chr2:73,950,620, C>A. VCF-style: chr2-73950620-C-A. GRCh37 (hg19) VCF-style: chr2-74177747-C-A.
Other names: c.188C>A, p.Ser63Tyr (NM_001318860.2, NM_001318861.2); c.170C>A, p.Ser57Tyr (NM_001318862.2, NM_001318863.2); c.443+3714C>A (NM_080918.3); c.425+3732C>A (NM_001318859.2); c.479C>A (NM_080916.2); short protein forms S63Y, S57Y, S160Y.
Identifiers: ClinVar variation 4750283 (VCV004750283.2).

ClinVar aggregate classification (germline): Uncertain significance. Review status: criteria provided, multiple submitters, no conflicts (2 of 4 stars). 2 submissions from 2 submitters: Uncertain significance (2). Last evaluated 2026-02-04.

Conditions:
DGUOK-related disorder. Also called: DGUOK-related condition.

gnomAD v4.1: 7 of 1,614,002 alleles (0.00043%); highest among the groups gnomAD compares: Non-Finnish European, 0.00059%; no homozygotes.

Submissions (2):

PreventionGenetics, part of Exact Sciences
Classification: Uncertain significance for DGUOK-related condition. Last evaluated: 2026-02-04. Review status: criteria provided, single submitter. Criteria: ACMG Guidelines, 2015. Collection method: clinical testing. Allele origin: germline.
Comment: The DGUOK c.479C>A variant is predicted to result in the amino acid substitution p.Ser160Tyr. To our knowledge, this variant has not been reported in the literature. This variant is reported in 0.0026% of alleles in individuals of European (Non-Finnish) descent in gnomAD. At this time, the clinical significance of this variant is uncertain due to the absence of conclusive functional and genetic evidence.

Labcorp Genetics (formerly Invitae), Labcorp
Classification: Uncertain significance. Last evaluated: 2025-12-02. Review status: criteria provided, single submitter. Criteria: Invitae Variant Classification Sherloc (09022015). Collection method: clinical testing. Allele origin: germline.
Comment: This sequence change replaces serine, which is neutral and polar, with tyrosine, which is neutral and polar, at codon 160 of the DGUOK protein (p.Ser160Tyr). This variant is present in population databases (no rsID available, gnomAD 0.003%). This variant has not been reported in the literature in individuals affected with DGUOK-related conditions. Invitae Evidence Modeling of protein sequence and biophysical properties (such as structural, functional, and spatial information, amino acid conservation, physicochemical variation, residue mobility, and thermodynamic stability) indicates that this missense variant is not expected to disrupt DGUOK protein function with a negative predictive value of 95%. In summary, the available evidence is currently insufficient to determine the role of this variant in disease. Therefore, it has been classified as a Variant of Uncertain Significance.